The following is an entry in ClinVar:

NM_000051.4(ATM):c.1236-1G>A

Gene: ATM (ATM serine/threonine kinase; plus strand). Cytogenetic location: 11q22.3.
Variant type: single nucleotide variant.
Coding change: c.1236-1G>A on transcript NM_000051.4 (MANE Select); the canonical splice acceptor site of the intron before coding-DNA position 1236, G replaced by A.
Molecular consequence: splice acceptor variant.
Genome position (GRCh38, 1-based): chr11:108,250,700, G>A. VCF-style: chr11-108250700-G-A. GRCh37 (hg19) VCF-style: chr11-108121427-G-A.
Other names: c.1236-1G>A (NM_001351834.2).
Identifiers: ClinVar variation 556721 (VCV000556721.10), dbSNP rs1408719214, ClinGen allele CA382533115.

ClinVar aggregate classification (germline): Conflicting classifications of pathogenicity. Review status: criteria provided, conflicting classifications (1 of 4 stars). 5 submissions from 5 submitters: Pathogenic (1); Likely pathogenic (2); Uncertain significance (1). 1 of the submissions does not count toward it. Last evaluated 2026-10-30.

Conditions:
Familial cancer of breast. Also called: BREAST CANCER, FAMILIAL; hereditary breast carcinoma; Hereditary breast cancer. Identifiers: Orphanet 227535, MedGen C0346153, MONDO:0016419, OMIM 114480. Disease mechanism: loss of function.
Ataxia-telangiectasia syndrome (AT). Also called: LOUIS-BAR SYNDROME; Cerebello-oculocutaneous telangiectasia; Immunodeficiency with ataxia telangiectasia; Ataxia-telangiectasia, complementation group D; AT, COMPLEMENTATION GROUP C; ATAXIA-TELANGIECTASIA, COMPLEMENTATION GROUP A. Identifiers: Orphanet 100, MedGen C0004135, MONDO:0008840, OMIM 208900.
Hereditary cancer-predisposing syndrome. Also called: Neoplastic Syndromes, Hereditary; Hereditary neoplastic syndrome; Tumor predisposition; Hereditary Cancer Syndrome. Identifiers: Orphanet 140162, MedGen C0027672, MeSH D009386, MONDO:0015356.

Allele frequency attached by ClinVar (database versions not stated): gnomAD exomes below 0.00001.
gnomAD v4.1: 1 of 1,517,922 alleles (0.000066%); highest among the groups gnomAD compares: Non-Finnish European, 0.000088%; no homozygotes.

Submissions (5):

Clinical Genetics Laboratory, Skane University Hospital Lund
Classification: Likely pathogenic for Familial cancer of breast. Last evaluated: 2026-10-30. Review status: criteria provided, single submitter. Criteria: ACMG Guidelines, 2015. Collection method: clinical testing. Allele origin: germline. Affected: yes.
Comment: ATM (NM_000051.4) c.1236-1G>A, p.? represents a single-nucleotide substitution affecting the canonical acceptor splice site of intron 9 of 62. The variant is expected to result in abnormal splicing, either through in-frame skipping of exon 10 or a frameshift caused by activation of a cryptic splice site. In both scenarios, the resulting mRNA is predicted to undergo nonsense-mediated decay (NMD). ATM c.1236-1G>A has previously been identified in the general population and has been reported as pathogenic/likely pathogenic in the ClinVar database (Accession: VCV000556721.9). The variant is classified as likely pathogenic according to the ClinGen ATM-specific variant interpretation guidelines (ClinGen Hereditary Breast, Ovarian and Pancreatic Cancer Expert Panel Specifications to the ACMG/AMP Variant Interpretation Guidelines for ATM, Version 1.3.0).

Ambry Genetics
Classification: Uncertain significance for Hereditary cancer-predisposing syndrome. Last evaluated: 2026-09-08. Review status: criteria provided, single submitter. Criteria: Ambry Variant Classification Scheme 2023. Collection method: clinical testing. Allele origin: germline.
Comment: The c.1236-1G>A intronic variant results from a G to A substitution one nucleotide upstream from coding exon 9 of the ATM gene. Variants that disrupt the canonical splice site are expected to result in aberrant splicing. In silico splice site analysis predicts that this alteration will weaken the native splice acceptor site and will result in the creation or strengthening of a novel splice acceptor site. A resulting transcript is predicted to be in-frame and is not expected to trigger nonsense-mediated mRNAdecay; although, direct evidence is unavailable. This nucleotide position is highly conserved in available vertebrate species. Based on the available evidence, the clinical significance of this variant remains unclear.

Labcorp Genetics (formerly Invitae), Labcorp
Classification: Pathogenic for Ataxia-telangiectasia syndrome. Last evaluated: 2025-04-07. Review status: criteria provided, single submitter. Criteria: Invitae Variant Classification Sherloc (09022015). Collection method: clinical testing. Allele origin: germline.
Comment: This sequence change affects an acceptor splice site in intron 9 of the ATM gene. RNA analysis indicates that disruption of this splice site induces altered splicing and may result in an absent or altered protein product. This variant is not present in population databases (gnomAD no frequency). Disruption of this splice site has been observed in individual(s) with prostate cancer (PMID: 32853339). ClinVar contains an entry for this variant (Variation ID: 556721). Studies have shown that disruption of this splice site alters ATM gene expression (PMID: 14695534). Studies have shown that disruption of this splice site results in activation of a cryptic splice site, and produces a non-functional protein and/or introduces a premature termination codon (internal data). For these reasons, this variant has been classified as Pathogenic.

Myriad Genetics, Inc.
Classification: Likely pathogenic for Familial cancer of breast. Last evaluated: 2024-09-18. Review status: criteria provided, single submitter. Criteria: Myriad Autosomal Dominant, Autosomal Recessive and X-Linked Classification Criteria (2023). Collection method: clinical testing. Allele origin: unknown.
Comment: This variant is considered likely pathogenic. This variant occurs within a consensus splice junction and is predicted to result in abnormal mRNA splicing of either an out-of-frame exon or an in-frame exon necessary for protein stability and/or normal function.

Counsyl
Classification: Likely pathogenic for Ataxia-telangiectasia syndrome. Last evaluated: 2018-02-14. Review status: no assertion criteria provided. Collection method: clinical testing. Allele origin: unknown. Not counted in ClinVar's aggregate classification.

Literature cited by the submitters: PubMed 32853339 (cited by Labcorp Genetics (formerly Invitae), Labcorp); PubMed 14695534 (cited by Labcorp Genetics (formerly Invitae), Labcorp).